The following is an entry in ClinVar:

NM_002582.4(PARN):c.246G>T (p.Lys82Asn)

Gene: PARN (poly(A)-specific ribonuclease; minus strand). Cytogenetic location: 16p13.12.
Variant type: single nucleotide variant.
Coding change: c.246G>T on transcript NM_002582.4 (MANE Select); coding-DNA position 246, G replaced by T.
Protein change: p.Lys82Asn; replaces lysine 82 with asparagine.
Molecular consequence: missense variant. On other transcripts: intron variant (1).
Genome position (GRCh38, 1-based): chr16:14,627,187, C>A on the plus strand (G>T on the coding strand, the complement: PARN is on the minus strand). VCF-style: chr16-14627187-C-A. GRCh37 (hg19) VCF-style: chr16-14721044-C-A.
Other names: c.63G>T, p.Lys21Asn (NM_001134477.3); c.159-51G>T (NM_001242992.2); short protein forms K21N, K82N.
Identifiers: ClinVar variation 5020789 (VCV005020789.1).

ClinVar aggregate classification (germline): Uncertain significance (1 of 4 stars; one submission).

Submission:

Dasa
Classification: Uncertain significance. Last evaluated: 2025-11-21. Review status: criteria provided, single submitter. Criteria: DASA Assertion Criteria. Collection method: clinical testing. Allele origin: germline.
Comment: NM_002582.4(PARN):c.246G>T (p.Lys82Asn) is a missense variant that results in the substitution of lysine with asparagine. This variant is absent from population databases. Computational prediction algorithms are consistent with a deleterious effect. The currently available literature and clinical evidence are not sufficient to establish a definitive association between this variant and the reported condition. Therefore, this variant is classified as a variant of uncertain significance.